The following is an entry in ClinVar:

NM_001035.3(RYR2):c.2657C>T (p.Ala886Val)

Gene: RYR2 (ryanodine receptor 2; plus strand). Cytogenetic location: 1q43.
Variant type: single nucleotide variant.
Coding change: c.2657C>T on transcript NM_001035.3 (MANE Select); coding-DNA position 2657, C replaced by T.
Protein change: p.Ala886Val; replaces alanine 886 with valine.
Molecular consequence: missense variant.
Genome position (GRCh38, 1-based): chr1:237,506,753, C>T. VCF-style: chr1-237506753-C-T. GRCh37 (hg19) VCF-style: chr1-237670053-C-T.
Other names: short protein forms A886V.
Identifiers: ClinVar variation 2711177 (VCV002711177.3), dbSNP rs2545920533, ClinGen allele CA345381104.

ClinVar aggregate classification (germline): Uncertain significance (1 of 4 stars; one submission).

Conditions:
Catecholaminergic polymorphic ventricular tachycardia 1. Also called: VENTRICULAR TACHYCARDIA, CATECHOLAMINERGIC POLYMORPHIC, 1, WITH OR WITHOUT ATRIAL DYSFUNCTION AND/OR DILATED CARDIOMYOPATHY; VENTRICULAR TACHYCARDIA, STRESS-INDUCED POLYMORPHIC 1; RYR2-Related Catecholaminergic Polymorphic Ventricular Tachycardia. Identifiers: Orphanet 3286, MedGen C1631597, MONDO:0011484, OMIM 604772.

Submission:

Labcorp Genetics (formerly Invitae), Labcorp
Classification: Uncertain significance for Catecholaminergic polymorphic ventricular tachycardia 1. Last evaluated: 2024-01-24. Review status: criteria provided, single submitter. Criteria: Invitae Variant Classification Sherloc (09022015). Collection method: clinical testing. Allele origin: germline.
Comment: This sequence change replaces alanine, which is neutral and non-polar, with valine, which is neutral and non-polar, at codon 886 of the RYR2 protein (p.Ala886Val). This variant is not present in population databases (gnomAD no frequency). This variant has not been reported in the literature in individuals affected with RYR2-related conditions. Advanced modeling of protein sequence and biophysical properties (such as structural, functional, and spatial information, amino acid conservation, physicochemical variation, residue mobility, and thermodynamic stability) performed at Invitae indicates that this missense variant is expected to disrupt RYR2 protein function with a positive predictive value of 95%. In summary, the available evidence is currently insufficient to determine the role of this variant in disease. Therefore, it has been classified as a Variant of Uncertain Significance.